The following is an entry in ClinVar:

NM_000077.5(CDKN2A):c.203C>G (p.Ala68Gly)

Gene: CDKN2A (cyclin dependent kinase inhibitor 2A; minus strand). Cytogenetic location: 9p21.3.
Variant type: single nucleotide variant.
Coding change: c.203C>G on transcript NM_000077.5; coding-DNA position 203, C replaced by G.
Protein change: p.Ala68Gly; replaces alanine 68 with glycine.
Molecular consequence: missense variant (on NM_000077.6). On other transcripts: synonymous variant (1), 3 prime UTR variant (1).
Genome position (GRCh38, 1-based): chr9:21,971,156, G>C on the plus strand (C>G on the coding strand, the complement: CDKN2A is on the minus strand). VCF-style: chr9-21971156-G-C. GRCh37 (hg19) VCF-style: chr9-21971155-G-C.
Other names: c.203C>G, p.Ala68Gly (NM_000077.6, NM_001195132.2); c.50C>G, p.Ala17Gly (NM_001363763.2); c.246C>G, p.Arg82= (NM_058195.4); c.*126C>G (NM_058197.5); short protein forms A68G, A17G.
Identifiers: ClinVar variation 628976 (VCV000628976.16), dbSNP rs1060501260, ClinGen allele CA373086339.

ClinVar aggregate classification (germline): Uncertain significance. Review status: criteria provided, multiple submitters, no conflicts (2 of 4 stars). 5 submissions from 5 submitters: Uncertain significance (5). Last evaluated 2023-10-25.

Conditions:
Familial melanoma. Also called: Hereditary melanoma; Hereditary cutaneous melanoma. Identifiers: Orphanet 618, MedGen C1512419, MONDO:0018961.
Hereditary cancer-predisposing syndrome. Also called: Tumor predisposition; Neoplastic Syndromes, Hereditary; Hereditary Cancer Syndrome; Hereditary neoplastic syndrome. Identifiers: Orphanet 140162, MedGen C0027672, MeSH D009386, MONDO:0015356.

Allele frequency attached by ClinVar (database versions not stated): gnomAD exomes below 0.00001.
gnomAD v4.1: 13 of 1,593,862 alleles (0.00082%); highest among the groups gnomAD compares: Non-Finnish European, 0.001%; no homozygotes.

Submissions (5):

Ambry Genetics
Classification: Uncertain significance for Hereditary cancer-predisposing syndrome. Last evaluated: 2023-10-25. Review status: criteria provided, single submitter. Criteria: Ambry Variant Classification Scheme 2023. Collection method: clinical testing. Allele origin: germline.
Comment: The p.A68G variant (also known as c.203C>G), located in coding exon 2 of the CDKN2A gene, results from a C to G substitution at nucleotide position 203. The alanine at codon 68 is replaced by glycine, an amino acid with similar properties. This amino acid position is highly conserved in available vertebrate species. In addition, the in silico prediction for this alteration is deleterious. Since supporting evidence is limited at this time, the clinical significance of this alteration remains unclear.

Quest Diagnostics Nichols Institute San Juan Capistrano
Classification: Uncertain significance. Last evaluated: 2023-10-13. Review status: criteria provided, single submitter. Criteria: Quest Diagnostics criteria. Collection method: clinical testing. Allele origin: unknown.

Color Diagnostics, LLC DBA Color Health
Classification: Uncertain significance for Hereditary cancer-predisposing syndrome. Last evaluated: 2022-07-26. Review status: criteria provided, single submitter. Criteria: ACMG Guidelines, 2015. Collection method: clinical testing. Allele origin: germline.
Comment: The CDKN2A locus encodes two different gene products, p16INK4a and p14ARF. This missense variant replaces alanine with glycine at codon 68 of the CDKN2A (p16INK4A) protein. Computational prediction suggests that this variant may have deleterious impact on protein structure and function (internally defined REVEL score threshold >= 0.7, PMID: 27666373). To our knowledge, functional studies have not been reported for this variant. This variant has not been reported in individuals affected with hereditary cancer in the literature. This variant has been identified in 1/211516 chromosomes in the general population by the Genome Aggregation Database (gnomAD). The available evidence is insufficient to determine the role of this variant in disease conclusively. Therefore, this variant is classified as a Variant of Uncertain Significance.

Labcorp Genetics (formerly Invitae), Labcorp
Classification: Uncertain significance for Familial melanoma. Last evaluated: 2022-06-04. Review status: criteria provided, single submitter. Criteria: Invitae Variant Classification Sherloc (09022015). Collection method: clinical testing. Allele origin: germline.
Comment: This sequence change replaces alanine, which is neutral and non-polar, with glycine, which is neutral and non-polar, at codon 68 of the CDKN2A (p16INK4a) protein (p.Ala68Gly). This variant is present in population databases (no rsID available, gnomAD 0.001%). This variant has not been reported in the literature in individuals affected with CDKN2A (p16INK4a)-related conditions. ClinVar contains an entry for this variant (Variation ID: 628976). Algorithms developed to predict the effect of missense changes on protein structure and function (SIFT, PolyPhen-2, Align-GVGD) all suggest that this variant is likely to be disruptive. This variant disrupts the p.Ala68 amino acid residue in CDKN2A (p16INK4a). Other variant(s) that disrupt this residue have been determined to be pathogenic (PMID: 8710906, 9425228, 11075991, 18983535, 21462282, 25780468). This suggests that this residue is clinically significant, and that variants that disrupt this residue are likely to be disease-causing. In summary, the available evidence is currently insufficient to determine the role of this variant in disease. Therefore, it has been classified as a Variant of Uncertain Significance.

Women's Health and Genetics/Laboratory Corporation of America, LabCorp
Classification: Uncertain significance. Last evaluated: 2022-05-19. Review status: criteria provided, single submitter. Criteria: LabCorp Variant Classification Summary - May 2015. Collection method: clinical testing. Allele origin: germline.
Comment: Variant summary: CDKN2A c.203C>G (p.Ala68Gly) results in a non-conservative amino acid change in the encoded protein sequence. Five of five in-silico tools predict a damaging effect of the variant on protein function. The variant allele was found at a frequency of 4.7e-06 in 211516 control chromosomes (gnomAD). The available data on variant occurrences in the general population are insufficient to allow any conclusion about variant significance. c.203C>G has been reported in the literature in individuals affected with Melanoma (Taylor_2016), however, this report does not provide unequivocal conclusions about association of the variant with Cutaneous Malignant Melanoma. Tang_2003 examined the structural stability of the p16 product and discovered the variant was as stable as wild-type in both water and Urea. This information does not allow convincing conclusions about the variant effect on patient phenotype. Two ClinVar submitters have assessed the variant since 2014: both classified the variant as of uncertain significance. Based on the evidence outlined above, the variant was classified as uncertain significance.

Literature cited by the submitters: PubMed 26827760 (cited by Quest Diagnostics Nichols Institute San Juan Capistrano and Women's Health and Genetics/Laboratory Corporation of America, LabCorp); PubMed 12517341 (cited by Quest Diagnostics Nichols Institute San Juan Capistrano and Women's Health and Genetics/Laboratory Corporation of America, LabCorp); PubMed 8710906 (cited by Labcorp Genetics (formerly Invitae), Labcorp); PubMed 9425228 (cited by Labcorp Genetics (formerly Invitae), Labcorp); PubMed 11075991 (cited by Labcorp Genetics (formerly Invitae), Labcorp); PubMed 18983535 (cited by Labcorp Genetics (formerly Invitae), Labcorp); PubMed 21462282 (cited by Labcorp Genetics (formerly Invitae), Labcorp); PubMed 25780468 (cited by Labcorp Genetics (formerly Invitae), Labcorp).